The following is an entry in ClinVar:

NM_001379659.1(ZNF142):c.3003G>A (p.Glu1001=)

Gene: ZNF142 (zinc finger protein 142; minus strand). Cytogenetic location: 2q35.
Variant type: single nucleotide variant.
Coding change: c.3003G>A on transcript NM_001379659.1 (MANE Select); coding-DNA position 3003, G replaced by A.
Protein change: p.Glu1001=; no amino-acid change (glutamic acid 1001 retained).
Molecular consequence: synonymous variant.
Genome position (GRCh38, 1-based): chr2:218,644,113, C>T on the plus strand (G>A on the coding strand, the complement: ZNF142 is on the minus strand). VCF-style: chr2-218644113-C-T. GRCh37 (hg19) VCF-style: chr2-219508836-C-T.
Other names: c.2403G>A, p.Glu801= (NM_001105537.5, NM_001366291.3, NM_001379662.1); c.1914G>A, p.Glu638= (NM_001366287.3, NM_001366288.3, NM_001366289.3); c.3003G>A, p.Glu1001= (NM_001366290.3, NM_001379660.1, NM_001379661.1).
Identifiers: ClinVar variation 4873974 (VCV004873974.2).

ClinVar aggregate classification (germline): Likely benign (1 of 4 stars; one submission).

gnomAD v4.1: 61 of 1,614,092 alleles (0.0038%); highest among the groups gnomAD compares: Admixed American, 0.02%; no homozygotes.

Submission:

CeGaT Center for Human Genetics Tuebingen
Classification: Likely benign. Last evaluated: 2026-04-01. Review status: criteria provided, single submitter. Criteria: CeGaT Center For Human Genetics Tuebingen Variant Classification Criteria Version 2. Collection method: clinical testing. Allele origin: germline. Affected: yes. Observed: 1 variant allele.
Comment: ZNF142: BP4, BP7